The following is an entry in ClinVar:

NM_203446.3(SYNJ1):c.1081T>A (p.Tyr361Asn)

Gene: SYNJ1 (synaptojanin 1; minus strand). Cytogenetic location: 21q22.11.
Variant type: single nucleotide variant.
Coding change: c.1081T>A on transcript NM_203446.3 (MANE Select); coding-DNA position 1081, T replaced by A.
Protein change: p.Tyr361Asn; replaces tyrosine 361 with asparagine.
Molecular consequence: missense variant.
Genome position (GRCh38, 1-based): chr21:32,685,785, A>T on the plus strand (T>A on the coding strand, the complement: SYNJ1 is on the minus strand). VCF-style: chr21-32685785-A-T. GRCh37 (hg19) VCF-style: chr21-34058095-A-T.
Other names: c.1081T>A, p.Tyr361Asn (NM_001160302.2, NM_001160306.2); c.1198T>A, p.Tyr400Asn (NM_003895.4); short protein forms Y361N, Y400N.
Identifiers: ClinVar variation 733580 (VCV000733580.13), dbSNP rs533216340, ClinGen allele CA10003976.

ClinVar aggregate classification (germline): Conflicting classifications of pathogenicity. Review status: criteria provided, conflicting classifications (1 of 4 stars). 3 submissions from 3 submitters: Uncertain significance (1); Benign (1); Likely benign (1). Last evaluated 2026-06-15.

Conditions:
Developmental and epileptic encephalopathy, 53. Also called: Epileptic encephalopathy, early infantile, 53. Identifiers: MedGen C4479313, MONDO:0033362, OMIM 617389.
Early-onset Parkinson disease 20. Also called: PARKINSON DISEASE 20, AUTOSOMAL RECESSIVE EARLY-ONSET. Identifiers: Orphanet 391411, MedGen C3809824, MONDO:0014233, OMIM 615530.

Allele frequency attached by ClinVar (database versions not stated): TOPMed 0.00013; ExAC 0.00021; gnomAD exomes 0.00022; 1000 Genomes Project 30x 0.00031; gnomAD 0.00032; 1000 Genomes Project 0.00040.
gnomAD v4.1: 163 of 1,609,384 alleles (0.01%); highest among the groups gnomAD compares: East Asian, 0.31%; 1 homozygote.

Submissions (3):

Women's Health and Genetics/Laboratory Corporation of America, LabCorp
Classification: Likely benign. Last evaluated: 2026-06-15. Review status: criteria provided, single submitter. Criteria: LabCorp Variant Classification Summary - May 2015. Collection method: clinical testing. Allele origin: germline.
Comment: Variant summary: SYNJ1 c.1198T>A (p.Tyr400Asn) results in a non-conservative amino acid change in the encoded protein sequence. Algorithms developed to predict the effect of missense changes on protein structure and function all suggest that this variant is likely to be disruptive. The variant allele was found at a frequency of 0.00022 in 247748 control chromosomes, predominantly at a frequency of 0.0026 within the East Asian subpopulation in the gnomAD database. The observed variant frequency within East Asian control individuals in the gnomAD database exceeds the estimated maximal expected allele frequency for disease-causing variants in SYNJ1. To our knowledge, no occurrence of c.1198T>A in individuals affected with SYNJ1-related conditions and no experimental evidence demonstrating its impact on protein function have been reported. ClinVar contains an entry for this variant (Variation ID: 733580). Based on the evidence outlined above, the variant was classified as likely benign.

Labcorp Genetics (formerly Invitae), Labcorp
Classification: Benign for Developmental and epileptic encephalopathy, 53; Early-onset Parkinson disease 20. Last evaluated: 2026-01-04. Review status: criteria provided, single submitter. Criteria: Invitae Variant Classification Sherloc (09022015). Collection method: clinical testing. Allele origin: germline.

ARUP Laboratories, Molecular Genetics and Genomics, ARUP Laboratories
Classification: Uncertain significance. Last evaluated: 2024-11-14. Review status: criteria provided, single submitter. Criteria: ARUP Molecular Germline Variant Investigation Process 2024. Collection method: clinical testing. Allele origin: germline.